The following is an entry in ClinVar:

ClinVar aggregate classification (germline): Uncertain significance (1 of 4 stars; one submission).

Conditions:
Developmental and epileptic encephalopathy, 53. Also called: Epileptic encephalopathy, early infantile, 53. Identifiers: MedGen C4479313, MONDO:0033362, OMIM 617389.
Early-onset Parkinson disease 20. Also called: PARKINSON DISEASE 20, AUTOSOMAL RECESSIVE EARLY-ONSET. Identifiers: Orphanet 391411, MedGen C3809824, MONDO:0014233, OMIM 615530.

Allele frequency attached by ClinVar (database versions not stated): gnomAD exomes below 0.00001.
gnomAD v4.1: 1 of 1,611,234 alleles (0.000062%); highest among the groups gnomAD compares: South Asian, 0.0011%; no homozygotes.

Submission:

Labcorp Genetics (formerly Invitae), Labcorp
Classification: Uncertain significance for Developmental and epileptic encephalopathy, 53; Early-onset Parkinson disease 20. Last evaluated: 2022-08-06. Review status: criteria provided, single submitter. Criteria: Invitae Variant Classification Sherloc (09022015). Collection method: clinical testing. Allele origin: germline.
Comment: This sequence change replaces isoleucine, which is neutral and non-polar, with threonine, which is neutral and polar, at codon 367 of the SYNJ1 protein (p.Ile367Thr). This variant is not present in population databases (gnomAD no frequency). This variant has not been reported in the literature in individuals affected with SYNJ1-related conditions. Algorithms developed to predict the effect of missense changes on protein structure and function are either unavailable or do not agree on the potential impact of this missense change (SIFT: "Deleterious"; PolyPhen-2: "Benign"; Align-GVGD: "Class C0"). In summary, the available evidence is currently insufficient to determine the role of this variant in disease. Therefore, it has been classified as a Variant of Uncertain Significance.

NM_203446.3(SYNJ1):c.983T>C (p.Ile328Thr)

Gene: SYNJ1 (synaptojanin 1; minus strand). Cytogenetic location: 21q22.11.
Variant type: single nucleotide variant.
Coding change: c.983T>C on transcript NM_203446.3 (MANE Select); coding-DNA position 983, T replaced by C.
Protein change: p.Ile328Thr; replaces isoleucine 328 with threonine.
Molecular consequence: missense variant.
Genome position (GRCh38, 1-based): chr21:32,685,883, A>G on the plus strand (T>C on the coding strand, the complement: SYNJ1 is on the minus strand). VCF-style: chr21-32685883-A-G. GRCh37 (hg19) VCF-style: chr21-34058193-A-G.
Other names: c.983T>C, p.Ile328Thr (NM_001160302.2, NM_001160306.2); c.1100T>C, p.Ile367Thr (NM_003895.4); short protein forms I328T, I367T.
Identifiers: ClinVar variation 1933858 (VCV001933858.4), dbSNP rs2516761061, ClinGen allele CA410093299.